The following is an entry in ClinVar:

ClinVar aggregate classification (germline): Uncertain significance (1 of 4 stars; one submission).

gnomAD v4.1: 1 of 1,614,106 alleles (0.000062%); highest among the groups gnomAD compares: Non-Finnish European, 0.000085%; no homozygotes.

Submission:

Women's Health and Genetics/Laboratory Corporation of America, LabCorp
Classification: Uncertain significance. Last evaluated: 2024-07-22. Review status: criteria provided, single submitter. Criteria: LabCorp Variant Classification Summary - May 2015. Collection method: clinical testing. Allele origin: germline.
Comment: Variant summary: SRRM2 c.6931C>T (p.Leu2311Phe) results in a non-conservative amino acid change in the encoded protein sequence. Four of five in-silico tools predict a damaging effect of the variant on protein function. The variant was absent in 251450 control chromosomes. The available data on variant occurrences in the general population are insufficient to allow any conclusion about variant significance. To our knowledge, no occurrence of c.6931C>T in individuals affected with Intellectual Developmental Disorder, Autosomal Dominant 72 and no experimental evidence demonstrating its impact on protein function have been reported. No submitters have cited clinical-significance assessments for this variant to ClinVar. Based on the evidence outlined above, the variant was classified as uncertain significance.

NM_016333.4(SRRM2):c.6931C>T (p.Leu2311Phe)

Gene: SRRM2 (serine/arginine repetitive matrix 2; plus strand). Cytogenetic location: 16p13.3.
Variant type: single nucleotide variant.
Coding change: c.6931C>T on transcript NM_016333.4 (MANE Select); coding-DNA position 6931, C replaced by T.
Protein change: p.Leu2311Phe; replaces leucine 2311 with phenylalanine.
Molecular consequence: missense variant.
Genome position (GRCh38, 1-based): chr16:2,767,459, C>T. VCF-style: chr16-2767459-C-T. GRCh37 (hg19) VCF-style: chr16-2817460-C-T.
Other names: short protein forms L2311F.
Identifiers: ClinVar variation 3339402 (VCV003339402.1).